The following is an entry in ClinVar:

NM_015338.6(ASXL1):c.1426C>T (p.Leu476=)

Gene: ASXL1 (ASXL transcriptional regulator 1; plus strand). Cytogenetic location: 20q11.21.
Variant type: single nucleotide variant.
Coding change: c.1426C>T on transcript NM_015338.6 (MANE Select); coding-DNA position 1426, C replaced by T.
Protein change: p.Leu476=; no amino-acid change (leucine 476 retained).
Molecular consequence: synonymous variant.
Genome position (GRCh38, 1-based): chr20:32,433,624, C>T. VCF-style: chr20-32433624-C-T. GRCh37 (hg19) VCF-style: chr20-31021427-C-T.
Other names: c.1243C>T, p.Leu415= (NM_001363734.1).
Identifiers: ClinVar variation 3067761 (VCV003067761.21), dbSNP rs2123262620, ClinGen allele CA510466847.
Genomic context (GRCh38, chr20:32,433,624, plus strand): 5'-ACTGACCCAGCAGGGCTGAGCAGTCCCCATCTGCCAGGCACATCCTCTGCAGCACCCGAC[C>T]TGGAGGGTCCCGAATTCCCAGTTGAGTCTGTGGCTTCTCGGATCCAGGCTGAGCCAGACA-3'
Protein context (NP_056153.2, residues 466-486): LPGTSSAAPD[Leu476=]EGPEFPVESV

ClinVar aggregate classification (germline): Likely benign (1 of 4 stars; one submission).

Submission:

CeGaT Center for Human Genetics Tuebingen
Classification: Likely benign. Last evaluated: 2024-03-01. Review status: criteria provided, single submitter. Criteria: CeGaT Center For Human Genetics Tuebingen Variant Classification Criteria Version 2. Collection method: clinical testing. Allele origin: germline. Affected: yes. Observed: 1 variant allele.
Comment: ASXL1: PM2:Supporting, BP4, BP7